The following is an entry in ClinVar:

ClinVar aggregate classification (germline): Likely benign (1 of 4 stars; one submission).

Conditions:
GRWD1-related disorder. Also called: GRWD1-related condition.

Submission:

PreventionGenetics, part of Exact Sciences
Classification: Likely benign for GRWD1-related condition. Last evaluated: 2026-07-22. Review status: criteria provided, single submitter. Criteria: ACMG Guidelines, 2015. Collection method: clinical testing. Allele origin: germline.
Comment: This variant is classified as likely benign based on ACMG/AMP sequence variant interpretation guidelines (Richards et al. 2015 PMID: 25741868, with internal and published modifications).

NM_031485.4(GRWD1):c.585C>A (p.Ala195=)

Gene: GRWD1 (glutamate rich WD repeat containing 1; plus strand). Cytogenetic location: 19q13.33.
Variant type: single nucleotide variant.
Coding change: c.585C>A on transcript NM_031485.4 (MANE Select); coding-DNA position 585, C replaced by A.
Protein change: p.Ala195=; no amino-acid change (alanine 195 retained).
Molecular consequence: synonymous variant.
Genome position (GRCh38, 1-based): chr19:48,450,429, C>A. VCF-style: chr19-48450429-C-A. GRCh37 (hg19) VCF-style: chr19-48953686-C-A.
Identifiers: ClinVar variation 4984163 (VCV004984163.1).
Genomic context (GRCh38, chr19:48,450,429, plus strand): 5'-GGAGGTGTTTGCGCTGCGGCGGCTTCTGCAGGTGGTGGAGGAGCCCCAGGCCCTGGCAGC[C>A]TTCCTCCGGGATGAGCAGGCCCAAATGAAGCCCATCTTCTCCTTCGCTGGACACATGGGC-3'
Protein context (NP_113673.3, residues 185-205): QVVEEPQALA[Ala195=]FLRDEQAQMK